The following is an entry in ClinVar:

NM_000113.3(TOR1A):c.317C>T (p.Thr106Ile)

Gene: TOR1A (torsin family 1 member A; minus strand). Cytogenetic location: 9q34.11.
Variant type: single nucleotide variant.
Coding change: c.317C>T on transcript NM_000113.3 (MANE Select); coding-DNA position 317, C replaced by T.
Protein change: p.Thr106Ile; replaces threonine 106 with isoleucine.
Molecular consequence: missense variant.
Genome position (GRCh38, 1-based): chr9:129,822,708, G>A on the plus strand (C>T on the coding strand, the complement: TOR1A is on the minus strand). VCF-style: chr9-129822708-G-A. GRCh37 (hg19) VCF-style: chr9-132584987-G-A.
Other names: short protein forms T106I.
Identifiers: ClinVar variation 1910730 (VCV001910730.5), dbSNP rs1307680752, ClinGen allele CA375177035.

ClinVar aggregate classification (germline): Uncertain significance (1 of 4 stars; one submission).

Conditions:
Dystonic disorder. Also called: Dystonia. Identifiers: MedGen C0013421, MONDO:0003441, HP:0001332.

Allele frequency attached by ClinVar (database versions not stated): gnomAD exomes below 0.00001; gnomAD 0.00001.
gnomAD v4.1: 2 of 1,614,076 alleles (0.00012%); highest among the groups gnomAD compares: Admixed American, 0.0017%; no homozygotes.

Submission:

Labcorp Genetics (formerly Invitae), Labcorp
Classification: Uncertain significance for Dystonic disorder. Last evaluated: 2022-08-30. Review status: criteria provided, single submitter. Criteria: Invitae Variant Classification Sherloc (09022015). Collection method: clinical testing. Allele origin: germline.
Comment: This sequence change replaces threonine, which is neutral and polar, with isoleucine, which is neutral and non-polar, at codon 106 of the TOR1A protein (p.Thr106Ile). This variant is not present in population databases (gnomAD no frequency). This variant has not been reported in the literature in individuals affected with TOR1A-related conditions. Algorithms developed to predict the effect of missense changes on protein structure and function (SIFT, PolyPhen-2, Align-GVGD) all suggest that this variant is likely to be disruptive. In summary, the available evidence is currently insufficient to determine the role of this variant in disease. Therefore, it has been classified as a Variant of Uncertain Significance.